The following is an entry in ClinVar:

ClinVar aggregate classification (germline): Likely benign. Review status: criteria provided, multiple submitters, no conflicts (2 of 4 stars). 3 submissions from 3 submitters: Likely benign (2). 1 of the submissions does not count toward it. Last evaluated 2026-01-27.

Conditions:
PAX1-related disorder. Also called: PAX1-related condition.

Allele frequency attached by ClinVar (database versions not stated): gnomAD 0.00013 and 0.00016; TOPMed 0.00017.
gnomAD v4.1: 353 of 1,613,506 alleles (0.022%); highest among the groups gnomAD compares: South Asian, 0.043%; no homozygotes.

Submissions (3):

Labcorp Genetics (formerly Invitae), Labcorp
Classification: Likely benign. Last evaluated: 2026-01-27. Review status: criteria provided, single submitter. Criteria: Invitae Variant Classification Sherloc (09022015). Collection method: clinical testing. Allele origin: germline.

Breakthrough Genomics
Classification: Likely benign. Review status: criteria provided, single submitter. Criteria: ACMG Guidelines, 2015. Collection method: not provided. Allele origin: germline. Inheritance: Autosomal recessive inheritance. Affected: yes.

PreventionGenetics, part of Exact Sciences
Classification: Likely benign for PAX1-related condition. Last evaluated: 2019-07-09. Review status: no assertion criteria provided. Collection method: clinical testing. Allele origin: germline. Not counted in ClinVar's aggregate classification.
Comment: This variant is classified as likely benign based on ACMG/AMP sequence variant interpretation guidelines (Richards et al. 2015 PMID: 25741868, with internal and published modifications).

NM_001257096.2(PAX1):c.1005C>G (p.Pro335=)

Gene: PAX1 (paired box 1; plus strand). Cytogenetic location: 20p11.22.
Variant type: single nucleotide variant.
Coding change: c.1005C>G on transcript NM_001257096.2 (MANE Select); coding-DNA position 1005, C replaced by G.
Protein change: p.Pro335=; no amino-acid change (proline 335 retained).
Molecular consequence: synonymous variant.
Genome position (GRCh38, 1-based): chr20:21,708,646, C>G. VCF-style: chr20-21708646-C-G. GRCh37 (hg19) VCF-style: chr20-21689284-C-G.
Other names: c.1005C>G, p.Pro335= (NM_006192.5).
Identifiers: ClinVar variation 739733 (VCV000739733.11), dbSNP rs199677616, ClinGen allele CA9786648.
Genomic context (GRCh38, chr20:21,708,646, plus strand): 5'-TTACTCTCCCAAGATGGAAGACTGGGCCGGCGTGAACCGCACGGCCTTCCCCGCCACCCC[C>G]GCAGTGAATGGGCTAGAGAAACCTGCCTTAGAGGCAGACATTAAATACACTCAGGTAACC-3'
Protein context (NP_001244025.1, residues 325-345): GVNRTAFPAT[Pro335=]AVNGLEKPAL